The following is an entry in ClinVar:

ClinVar aggregate classification (germline): Uncertain significance (1 of 4 stars; one submission).

Conditions:
Inborn genetic diseases. Identifiers: MedGen C0950123, MeSH D030342.

Submission:

Ambry Genetics
Classification: Uncertain significance for Inborn genetic diseases. Last evaluated: 2025-06-08. Review status: criteria provided, single submitter. Criteria: Ambry Variant Classification Scheme 2023. Collection method: clinical testing. Allele origin: germline.
Comment: The p.E1310K variant (also known as c.3928G>A), located in coding exon 39 of the FANCA gene, results from a G to A substitution at nucleotide position 3928. The glutamic acid at codon 1310 is replaced by lysine, an amino acid with similar properties. This amino acid position is conserved. In addition, this alteration is predicted to be tolerated by in silico analysis. Based on the available evidence, the clinical significance of this variant remains unclear.

NM_000135.4(FANCA):c.3928G>A (p.Glu1310Lys)

Genes: ZNF276 (zinc finger protein 276; plus strand), FANCA (FA complementation group A; minus strand). Cytogenetic location: 16q24.3.
Variant type: single nucleotide variant.
Coding change: c.3928G>A on transcript NM_000135.4 (MANE Select); coding-DNA position 3928, G replaced by A.
Protein change: p.Glu1310Lys; replaces glutamic acid 1310 with lysine.
Molecular consequence: missense variant. On other transcripts: 3 prime UTR variant (2), non-coding transcript variant (4).
Genome position (GRCh38, 1-based): chr16:89,740,000, C>T on the plus strand (G>A on the coding strand, the complement: FANCA is on the minus strand). VCF-style: chr16-89740000-C-T. GRCh37 (hg19) VCF-style: chr16-89806408-C-T.
Other names: c.3928G>A, p.Glu1310Lys (NM_001286167.3); c.*1754C>T (NM_001113525.2, NM_152287.4); short protein forms E1310K.
Identifiers: ClinVar variation 4022358 (VCV004022358.1).
Genomic context (GRCh38, chr16:89,740,000, plus strand): 5'-TGCCTCTGAAAAGAGCGGCCCTCCGCATTTGTGCCTCAGCAGCGTGTTTCTTACCACTCT[C>T]TGTCAACTGAAAGAGTGCCAGCCAGGATATCTTCCTCTTCTCTAAACACTCGAGGATTGC-3'
Protein context (NP_000126.2, residues 1300-1320): ISWLALFQLT[Glu1310Lys]SDLRLGRLLL